The following is an entry in ClinVar:

NM_003036.4(SKI):c.347G>A (p.Gly116Glu)

Gene: SKI (SKI proto-oncogene; plus strand). Cytogenetic location: 1p36.33.
Variant type: single nucleotide variant.
Coding change: c.347G>A on transcript NM_003036.4 (MANE Select); coding-DNA position 347, G replaced by A.
Protein change: p.Gly116Glu; replaces glycine 116 with glutamic acid.
Molecular consequence: missense variant.
Genome position (GRCh38, 1-based): chr1:2,229,113, G>A. VCF-style: chr1-2229113-G-A. GRCh37 (hg19) VCF-style: chr1-2160552-G-A.
Other names: short protein forms G116E.
Identifiers: ClinVar variation 37258 (VCV000037258.14), dbSNP rs387907303, ClinGen allele CA260605.

ClinVar aggregate classification (germline): Pathogenic/Likely pathogenic. Review status: criteria provided, multiple submitters, no conflicts (2 of 4 stars). 4 submissions from 4 submitters: Pathogenic (2); Likely pathogenic (1). 1 of the submissions does not count toward it. Last evaluated 2022-06-13.

Conditions:
Shprintzen-Goldberg syndrome (SGS). Also called: SHPRINTZEN-GOLDBERG CRANIOSYNOSTOSIS SYNDROME; CRANIOSYNOSTOSIS WITH ARACHNODACTYLY AND ABDOMINAL HERNIAS; Marfanoid disorder with craniosynostosis type 1; Marfanoid craniosynostosis syndrome; Shprintzen-Goldberg marfanoid syndrome. Identifiers: Orphanet 2462, MedGen C1321551, MONDO:0008426, OMIM 182212.

Submissions (4):

Labcorp Genetics (formerly Invitae), Labcorp
Classification: Pathogenic for Shprintzen-Goldberg syndrome. Last evaluated: 2022-06-13. Review status: criteria provided, single submitter. Criteria: Invitae Variant Classification Sherloc (09022015). Collection method: clinical testing. Allele origin: germline.
Comment: For these reasons, this variant has been classified as Pathogenic. Advanced modeling of protein sequence and biophysical properties (such as structural, functional, and spatial information, amino acid conservation, physicochemical variation, residue mobility, and thermodynamic stability) performed at Invitae indicates that this missense variant is expected to disrupt SKI protein function. ClinVar contains an entry for this variant (Variation ID: 37258). This missense change has been observed in individual(s) with Shprintzen-Goldberg syndrome (PMID: 23023332, 24357594). In at least one individual the variant was observed to be de novo. This variant is not present in population databases (gnomAD no frequency). This sequence change replaces glycine, which is neutral and non-polar, with glutamic acid, which is acidic and polar, at codon 116 of the SKI protein (p.Gly116Glu).

Centre for Mendelian Genomics, University Medical Centre Ljubljana
Classification: Likely pathogenic for Shprintzen-Goldberg syndrome. Last evaluated: 2019-05-27. Review status: criteria provided, single submitter. Criteria: ACMG Guidelines, 2015. Collection method: clinical testing. Allele origin: unknown. Affected: yes.
Comment: This variant was classified as: Likely pathogenic. The following ACMG criteria were applied in classifying this variant: PS1,PM2,PP3.

Baylor-Hopkins Center for Mendelian Genomics, Johns Hopkins University School of Medicine
Classification: Pathogenic for Shprintzen-Goldberg syndrome. Review status: criteria provided, single submitter. Criteria: Submitter's publication. Collection method: research. Allele origin: de novo. Affected: yes. Observed: 1 heterozygote.

OMIM
Classification: Pathogenic for SHPRINTZEN-GOLDBERG CRANIOSYNOSTOSIS SYNDROME. Last evaluated: 2012-11-01. Review status: no assertion criteria provided. Collection method: literature only. Allele origin: germline. Not counted in ClinVar's aggregate classification.

Literature cited by the submitters: PubMed 23023332 (cited by Labcorp Genetics (formerly Invitae), Labcorp and OMIM); PubMed 24357594 (cited by Labcorp Genetics (formerly Invitae), Labcorp).